The following is an entry in ClinVar:

NM_144573.4(NEXN):c.1408G>C (p.Glu470Gln)

Gene: NEXN (nexilin F-actin binding protein; plus strand). Cytogenetic location: 1p31.1.
Variant type: single nucleotide variant.
Coding change: c.1408G>C on transcript NM_144573.4 (MANE Select); coding-DNA position 1408, G replaced by C.
Protein change: p.Glu470Gln; replaces glutamic acid 470 with glutamine.
Molecular consequence: missense variant.
Genome position (GRCh38, 1-based): chr1:77,935,979, G>C. VCF-style: chr1-77935979-G-C. GRCh37 (hg19) VCF-style: chr1-78401664-G-C.
Other names: p.E470Q:GAG>CAG; c.1216G>C, p.Glu406Gln (NM_001172309.2); short protein forms E470Q, E406Q.
Identifiers: ClinVar variation 138511 (VCV000138511.29), dbSNP rs35366555, ClinGen allele CA181124.

ClinVar aggregate classification (germline): Benign/Likely benign. Review status: criteria provided, multiple submitters, no conflicts (2 of 4 stars). 11 submissions from 11 submitters: Benign (6); Likely benign (3). 2 of the submissions do not count toward it. Last evaluated 2026-09-21.

Conditions:
Cardiovascular phenotype. Identifiers: MedGen CN230736.
Dilated cardiomyopathy 1CC (CMD1CC). Identifiers: Orphanet 154, MedGen C2751084, MONDO:0013147, OMIM 613122.
Hypertrophic cardiomyopathy 20. Identifiers: MedGen C3151267, MONDO:0013477, OMIM 613876.
Cardiomyopathy (CMYO). Also called: Cardiomyopathies. Identifiers: Orphanet 167848, MedGen C0878544, MONDO:0004994, HP:0001638. Inheritance: Various modes of inheritance.

Allele frequency attached by ClinVar (database versions not stated): gnomAD exomes 0.00061; gnomAD 0.00283 and 0.00302; TOPMed 0.00302; 1000 Genomes Project 0.00240; ESP Exome Variant Server 0.00315; ExAC 0.00083; 1000 Genomes Project 30x 0.00312.
gnomAD v4.1: 754 of 1,613,958 alleles (0.047%); highest among the groups gnomAD compares: African/African-American, 0.92%; 2 homozygotes.

Submissions (11):

Molecular Diagnostic Laboratory for Inherited Cardiovascular Disease, Montreal Heart Institute
Classification: Likely benign. Last evaluated: 2026-09-21. Review status: criteria provided, single submitter. Criteria: ACMG Guidelines, 2015. Collection method: clinical testing. Allele origin: germline. Affected: no.
Comment: BS1

Labcorp Genetics (formerly Invitae), Labcorp
Classification: Benign for Dilated cardiomyopathy 1CC; Hypertrophic cardiomyopathy 20. Last evaluated: 2026-01-28. Review status: criteria provided, single submitter. Criteria: Invitae Variant Classification Sherloc (09022015). Collection method: clinical testing. Allele origin: germline.

ARUP Laboratories, Molecular Genetics and Genomics, ARUP Laboratories
Classification: Likely benign. Last evaluated: 2025-05-14. Review status: criteria provided, single submitter. Criteria: ARUP Molecular Germline Variant Investigation Process 2024. Collection method: clinical testing. Allele origin: germline.

Blueprint Genetics
Classification: Likely benign. Last evaluated: 2024-11-25. Review status: criteria provided, single submitter. Criteria: ACMG Guidelines, 2015. Collection method: clinical testing. Allele origin: germline.

CHEO Genetics Diagnostic Laboratory, Children's Hospital of Eastern Ontario
Classification: Benign for Cardiomyopathy. Last evaluated: 2017-11-02. Review status: criteria provided, single submitter. Criteria: ACMG Guidelines, 2015. Collection method: clinical testing. Allele origin: germline.

Ambry Genetics
Classification: Benign for Cardiovascular phenotype. Last evaluated: 2015-10-01. Review status: criteria provided, single submitter. Criteria: Ambry Variant Classification Scheme 2023. Collection method: clinical testing. Allele origin: germline.

GeneDx
Classification: Benign. Last evaluated: 2014-03-14. Review status: criteria provided, single submitter. Criteria: GeneDx Variant Classification (06012015). Collection method: clinical testing. Allele origin: germline. Affected: yes.
Comment: This variant is considered likely benign or benign based on one or more of the following criteria: it is a conservative change, it occurs at a poorly conserved position in the protein, it is predicted to be benign by multiple in silico algorithms, and/or has population frequency not consistent with disease.

Laboratory for Molecular Medicine, Mass General Brigham Personalized Medicine
Classification: Benign. Last evaluated: 2013-07-18. Review status: criteria provided, single submitter. Criteria: LMM Criteria. Collection method: clinical testing. Allele origin: germline. Observed: 5 variant alleles.
Comment: Glu470Gln in exon 11 of NEXN: This variant is not expected to have clinical sign ificance because it has been identified in 1.0% (36/3586) of African American ch romosomes by the NHLBI Exome Sequencing Project (S; dbSNP rs35366555).

Breakthrough Genomics
Classification: Benign. Review status: criteria provided, single submitter. Criteria: ACMG Guidelines, 2015. Collection method: not provided. Allele origin: germline. Inheritance: Autosomal dominant inheritance. Affected: yes.

Clinical Genetics, Academic Medical Center
Classification: Benign. Review status: no assertion criteria provided. Collection method: clinical testing. Allele origin: germline. Affected: yes. Study: VKGL Data-share Consensus. Not counted in ClinVar's aggregate classification.

Diagnostic Laboratory, Department of Genetics, University Medical Center Groningen
Classification: Benign. Review status: no assertion criteria provided. Collection method: clinical testing. Allele origin: germline. Affected: yes. Study: VKGL Data-share Consensus. Not counted in ClinVar's aggregate classification.